The following is an entry in ClinVar:

NM_138694.4(PKHD1):c.1A>G (p.Met1Val)

Gene: PKHD1 (PKHD1 ciliary IPT domain containing fibrocystin/polyductin; minus strand). Cytogenetic location: 6p12.2.
Variant type: single nucleotide variant.
Coding change: c.1A>G on transcript NM_138694.4 (MANE Select); coding-DNA position 1, A replaced by G.
Protein change: p.Met1Val; changes the start codon (methionine 1).
Molecular consequence: missense variant, initiator codon variant.
Genome position (GRCh38, 1-based): chr6:52,084,933, T>C on the plus strand (A>G on the coding strand, the complement: PKHD1 is on the minus strand). VCF-style: chr6-52084933-T-C. GRCh37 (hg19) VCF-style: chr6-51949731-T-C.
Other names: c.1A>G, p.Met1Val (NM_170724.3); short protein forms M1V.
Identifiers: ClinVar variation 550469 (VCV000550469.13), dbSNP rs376987651, ClinGen allele CA3854082.

ClinVar aggregate classification (germline): Pathogenic/Likely pathogenic. Review status: criteria provided, multiple submitters, no conflicts (2 of 4 stars). 6 submissions from 6 submitters: Pathogenic (3); Likely pathogenic (1). 2 of the submissions do not count toward it. Last evaluated 2025-08-05.

Conditions:
Polycystic kidney disease 4 (PKD4). Also called: Autosomal Recessive Polycystic Kidney Disease – PKHD1; POLYCYSTIC KIDNEY AND HEPATIC DISEASE 1; POLYCYSTIC KIDNEY DISEASE, INFANTILE, TYPE I; PKD3; POLYCYSTIC KIDNEY DISEASE 4 WITH OR WITHOUT POLYCYSTIC LIVER DISEASE. Identifiers: MedGen C4540575, MONDO:0033004, OMIM 263200.
Autosomal recessive polycystic kidney disease (ARPKD). Also called: AR polycystic kidney disease. Identifiers: Orphanet 731, Orphanet 8378, MedGen C0085548, MeSH D017044, MONDO:0009889.
Polycystic kidney disease. Also called: Polycystic kidney dysplasia; Kidney, Polycystic. Identifiers: MedGen C0022680, MeSH D007690, MONDO:0020642, HP:0000113.

Allele frequency attached by ClinVar (database versions not stated): gnomAD exomes below 0.00001 and 0.00001; TOPMed 0.00001; ExAC 0.00002; ESP Exome Variant Server 0.00008.

Submissions (6):

GeneDx
Classification: Pathogenic. Last evaluated: 2025-08-05. Review status: criteria provided, single submitter. Criteria: GeneDx Variant Classification Process June 2021. Collection method: clinical testing. Allele origin: germline. Affected: yes.
Comment: Initiation codon variant predicted to critically alter the protein; Not observed at significant frequency in large population cohorts (gnomAD); This variant is associated with the following publications: (PMID: 31589614, 27225849)

Natera, Inc.
Classification: Pathogenic for Autosomal recessive polycystic kidney disease. Last evaluated: 2025-05-15. Review status: criteria provided, single submitter. Criteria: Natera Variant Classification Schema (03/2026). Collection method: clinical testing. Allele origin: germline.
Comment: The c.1A>G variant in PKHD1 is predicted to result in start loss due to disruption of the initiator methionine. This variant is expected to result in nonsense mediated decay, truncation, or a dysfunctional protein product. This variant is rare in the general population with a frequency below the threshold expected for the associated phenotype(s). This variant has been observed in one or more individuals affected with the associated recessive disease, as either homozygous or compound heterozygous with a second variant (PMID: 27225849). Given the available evidence, this variant is classified as Pathogenic.

Labcorp Genetics (formerly Invitae), Labcorp
Classification: Pathogenic for Autosomal recessive polycystic kidney disease. Last evaluated: 2024-01-09. Review status: criteria provided, single submitter. Criteria: Invitae Variant Classification Sherloc (09022015). Collection method: clinical testing. Allele origin: germline.
Comment: This sequence change affects the initiator methionine of the PKHD1 mRNA. The next in-frame methionine is located at codon 9. This variant is present in population databases (rs376987651, gnomAD 0.004%). Disruption of the initiator codon has been observed in individual(s) with autosomal recessive polycystic kidney disease (PMID: 27225849). In at least one individual the data is consistent with being in trans (on the opposite chromosome) from a pathogenic variant. ClinVar contains an entry for this variant (Variation ID: 550469). This variant disrupts a region of the PKHD1 protein in which other variant(s) (p.Leu8Pro) have been observed in individuals with PKHD1-related conditions (Invitae). This suggests that this is a clinically significant region of the protein, and that variants that disrupt it are likely to be disease-causing. For these reasons, this variant has been classified as Pathogenic.

Fulgent Genetics
Classification: Likely pathogenic for Polycystic kidney disease 4. Last evaluated: 2021-10-26. Review status: criteria provided, single submitter. Criteria: ACMG Guidelines, 2015. Collection method: clinical testing. Allele origin: unknown.

Counsyl
Classification: Pathogenic for Polycystic kidney disease 4. Last evaluated: 2017-01-26. Review status: no assertion criteria provided. Collection method: clinical testing. Allele origin: unknown. Not counted in ClinVar's aggregate classification.

Department of Pathology and Laboratory Medicine, Sinai Health System
Classification: Pathogenic for Polycystic Kidney disease. Review status: no assertion criteria provided. Collection method: clinical testing. Allele origin: unknown. Affected: yes. Observed: 1 variant allele. Study: The Canadian Open Genetics Repository (COGR). Not counted in ClinVar's aggregate classification.
Comment: The PKHD1 p.Met1? variant was identified in 3 of 260 proband chromosomes (frequency: 0.0115) from individuals or families with Autosomal Recessive PKD (Melchionda, 2016). The variant was also identified in dbSNP (ID: rs376987651) as NA, and LOVD 3.0 databases. The variant was not identified in ClinVar, GeneInsight-COGR, RWTH AAachen University ARPKD databases. The variant was identified in control databases in 4 of 246088 chromosomes at a frequency of 0.000016 (Genome Aggregation Consortium Feb 27, 2017). The c.1A>G variant occurs in the first base of the exon. The c.1A>G p.Met1? variant occurs in the first base of the translation initiation site (the Methionine amino acid start site), increasing the likelihood this variant may disrupt translation or lead to an abnormal protein product. In summary, based on the above information, this variant meets our laboratoryâ€šÃ„Ã´s criteria to be classified as pathogenic.

Literature cited by the submitters: PubMed 27225849 (cited by 3 submitters).